The following is an entry in ClinVar:

NM_000353.3(TAT):c.1125+4A>G

Genes: TAT (tyrosine aminotransferase; minus strand), TAT-AS1 (TAT antisense RNA 1; plus strand). Cytogenetic location: 16q22.2.
Variant type: single nucleotide variant.
Coding change: c.1125+4A>G on transcript NM_000353.3 (MANE Select); 4 bases into the intron after coding-DNA position 1125, A replaced by G.
Molecular consequence: intron variant.
Genome position (GRCh38, 1-based): chr16:71,569,850, T>C on the plus strand (A>G on the coding strand, the complement: TAT is on the minus strand). VCF-style: chr16-71569850-T-C. GRCh37 (hg19) VCF-style: chr16-71603753-T-C.
Identifiers: ClinVar variation 2157388 (VCV002157388.2), dbSNP rs769702302, ClinGen allele CA8153795.
Genomic context (GRCh38, chr16:71,569,850, plus strand): 5'-GCTGAATGACTGCCCTTTGCCTTACAACATGCATTGACCTAGTGCCTGCCACCCACATAC[T>C]CACCATGAGGTACATAGCCCCAGAAGGGCGGACTGGCCGGAGTCCAGGGATGGCAGCCAA-3'

ClinVar aggregate classification (germline): Uncertain significance. Review status: criteria provided, multiple submitters, no conflicts (2 of 4 stars). 2 submissions from 2 submitters: Uncertain significance (2). Last evaluated 2022-11-29.

Conditions:
Tyrosinemia type II (TYRSN2). Also called: OREGON TYPE TYROSINEMIA; KERATOSIS PALMOPLANTARIS WITH CORNEAL DYSTROPHY; TAT DEFICIENCY; TYROSINE AMINOTRANSFERASE DEFICIENCY; TYROSINE TRANSAMINASE DEFICIENCY. Identifiers: Orphanet 28378, MedGen C0268487, MONDO:0010160, OMIM 276600.

Allele frequency attached by ClinVar (database versions not stated): gnomAD 0.00001; TOPMed 0.00001; ExAC 0.00005; gnomAD exomes 0.00006.
gnomAD v4.1: 91 of 1,613,142 alleles (0.0056%); highest among the groups gnomAD compares: South Asian, 0.039%; 4 homozygotes.

Submissions (2):

Department of Pathology and Laboratory Medicine, Sinai Health System
Classification: Uncertain significance for tyrosinemia type II. Last evaluated: 2022-11-29. Review status: criteria provided, single submitter. Criteria: ACMG Guidelines, 2015. Collection method: research. Allele origin: germline.

Labcorp Genetics (formerly Invitae), Labcorp
Classification: Uncertain significance for Tyrosinemia type II. Last evaluated: 2022-07-06. Review status: criteria provided, single submitter. Criteria: Invitae Variant Classification Sherloc (09022015). Collection method: clinical testing. Allele origin: germline.
Comment: This sequence change falls in intron 10 of the TAT gene. It does not directly change the encoded amino acid sequence of the TAT protein. It affects a nucleotide within the consensus splice site. This variant is present in population databases (rs769702302, gnomAD 0.02%). This variant has not been reported in the literature in individuals affected with TAT-related conditions. Variants that disrupt the consensus splice site are a relatively common cause of aberrant splicing (PMID: 17576681, 9536098). Algorithms developed to predict the effect of sequence changes on RNA splicing suggest that this variant may disrupt the consensus splice site. In summary, the available evidence is currently insufficient to determine the role of this variant in disease. Therefore, it has been classified as a Variant of Uncertain Significance.

Literature cited by the submitters: PubMed 17576681 (cited by Labcorp Genetics (formerly Invitae), Labcorp); PubMed 9536098 (cited by Labcorp Genetics (formerly Invitae), Labcorp).